The following is an entry in ClinVar:

ClinVar aggregate classification (germline): Uncertain significance (1 of 4 stars; one submission).

Allele frequency attached by ClinVar (database versions not stated): gnomAD exomes below 0.00001.
gnomAD v4.1: 2 of 1,497,430 alleles (0.00013%); highest among the groups gnomAD compares: Admixed American, 0.0021%; no homozygotes.

Submission:

Labcorp Genetics (formerly Invitae), Labcorp
Classification: Uncertain significance. Last evaluated: 2022-05-04. Review status: criteria provided, single submitter. Criteria: Invitae Variant Classification Sherloc (09022015). Collection method: clinical testing. Allele origin: germline.
Comment: In summary, the available evidence is currently insufficient to determine the role of this variant in disease. Therefore, it has been classified as a Variant of Uncertain Significance. Algorithms developed to predict the effect of missense changes on protein structure and function are either unavailable or do not agree on the potential impact of this missense change (SIFT: "Tolerated"; PolyPhen-2: "Not Available"; Align-GVGD: "Class C0"). This variant has not been reported in the literature in individuals affected with ATP5D-related conditions. This variant is not present in population databases (gnomAD no frequency). This sequence change replaces proline, which is neutral and non-polar, with leucine, which is neutral and non-polar, at codon 29 of the ATP5D protein (p.Pro29Leu).

NM_001687.5(ATP5F1D):c.86C>T (p.Pro29Leu)

Genes: ATP5F1D (ATP synthase F1 subunit delta; plus strand), LOC130062903 (ATAC-STARR-seq lymphoblastoid silent region 9673; plus strand). Cytogenetic location: 19p13.3.
Variant type: single nucleotide variant.
Coding change: c.86C>T on transcript NM_001687.5 (MANE Select); coding-DNA position 86, C replaced by T.
Protein change: p.Pro29Leu; replaces proline 29 with leucine.
Molecular consequence: missense variant.
Genome position (GRCh38, 1-based): chr19:1,241,936, C>T. VCF-style: chr19-1241936-C-T. GRCh37 (hg19) VCF-style: chr19-1241935-C-T.
Other names: c.86C>T, p.Pro29Leu (NM_001001975.2); short protein forms P29L.
Identifiers: ClinVar variation 1967380 (VCV001967380.5), dbSNP rs1044624738, ClinGen allele CA304013757.
Genomic context (GRCh38, chr19:1,241,936, plus strand): 5'-GCCCGGGACTTGGCCGCCTCGTCCGCCACGCCCGTGCCTATGCCGAGGCCGCCGCCGCCC[C>T]GGCTGCCGCCTCTGGCCCCAACCAGATGTCCTTCACCTTCGCCTCTCCCACGCAGGTTCG-3'
Protein context (NP_001678.1, residues 19-39): ARAYAEAAAA[Pro29Leu]AAASGPNQMS